The following is an entry in ClinVar:

ClinVar aggregate classification (germline): Uncertain significance (1 of 4 stars; one submission).

Conditions:
STAT3 gain of function. Identifiers: MedGen C4288261.
Hyper-IgE recurrent infection syndrome 1, autosomal dominant. Also called: JOB SYNDROME; STAT3 Hyper IgE Syndrome; Job's Syndrome; Hyper-IgE recurrent infection syndrome 1; HYPER-IgE SYNDROME 1, AUTOSOMAL DOMINANT, WITH RECURRENT INFECTIONS. Identifiers: Orphanet 2314, MedGen C2936739, MONDO:0007818, OMIM 147060.

Submission:

Labcorp Genetics (formerly Invitae), Labcorp
Classification: Uncertain significance for STAT3 gain of function; Hyper-IgE recurrent infection syndrome 1, autosomal dominant. Last evaluated: 2024-07-23. Review status: criteria provided, single submitter. Criteria: Invitae Variant Classification Sherloc (09022015). Collection method: clinical testing. Allele origin: germline.
Comment: This variant, c.1931_1933del, results in the deletion of 1 amino acid(s) of the STAT3 protein (p.Gln644del), but otherwise preserves the integrity of the reading frame. This variant is not present in population databases (gnomAD no frequency). This variant has been observed in individuals with hyper-IgE syndrome (PMID: 17881745, 23584561). Experimental studies and prediction algorithms are not available or were not evaluated, and the functional significance of this variant is currently unknown. In summary, the available evidence is currently insufficient to determine the role of this variant in disease. Therefore, it has been classified as a Variant of Uncertain Significance.

Literature cited by the submitters: PubMed 17881745; PubMed 23584561.

NM_139276.3(STAT3):c.1925AGC[2] (p.Gln644del)

Gene: STAT3 (signal transducer and activator of transcription 3; minus strand). Cytogenetic location: 17q21.2.
Variant type: Microsatellite.
Coding change: c.1925AGC[2] on transcript NM_139276.3 (MANE Select); two copies in a row of the 3-base unit AGC starting at c.1925; the reference has three copies in a row; one copy, 3 bases deleted.
Protein change: p.Gln644del; deletes glutamine 644.
Molecular consequence: inframe deletion.
Genome position (GRCh38, 1-based): chr17:42,322,450-42,322,452, GCT deleted on the plus strand (AGC on the coding strand, the reverse complement: STAT3 is on the minus strand); deleting any 3 consecutive bases within chr17:42,322,450-42,322,458 gives the same sequence; the position shown is the placement nearest the transcript's 3' end. VCF-style (leftmost placement, unchanged base first): chr17-42322449-AGCT-A. GRCh37 (hg19) VCF-style: chr17-40474467-AGCT-A.
Other names: c.1925AGC[2], p.Gln644del (NM_001369512.1, NM_001369513.1, NM_001369514.1 and 9 more transcripts); c.1841AGC[2], p.Gln616del (NM_001384984.1); c.1847AGC[2], p.Gln618del (NM_001384985.1); c.1940AGC[2], p.Gln649del (NM_001384986.1, NM_001384990.1); c.1904AGC[2], p.Gln637del (NM_001384987.1); c.1829AGC[2], p.Gln612del (NM_001384989.1); c.1898AGC[2], p.Gln635del (NM_001384991.1); c.1865AGC[2], p.Gln624del (NM_001384992.1); short protein forms Q612del, Q616del, Q635del, Q637del, Q624del, Q649del, Q618del, Q644del.
Identifiers: ClinVar variation 1034544 (VCV001034544.9), dbSNP rs2081521901, ClinGen allele CA2260430747.